The following is an entry in ClinVar:

NM_213599.3(ANO5):c.267_268inv (p.Val90Ile)

Gene: ANO5 (anoctamin 5; plus strand). Cytogenetic location: 11p14.3.
Variant type: Inversion.
Coding change: c.267_268inv on transcript NM_213599.3 (MANE Select).
Protein change: p.Val90Ile; replaces valine 90 with isoleucine.
Molecular consequence: missense variant.
Genome position: GRCh38 VCF-style: chr11-22221183-TG-CA. GRCh37 (hg19) VCF-style: chr11-22242729-TG-CA.
Other names: c.264_265inv, p.Val89Ile (NM_001142649.2); c.225_226invTG, p.Val76Ile (NM_001410963.1); c.222_223invTG, p.Val75Ile (NM_001410964.1); short protein forms V76I, V75I, V89I, V90I.
Identifiers: ClinVar variation 1922597 (VCV001922597.5), ClinGen allele CA2580082934.

ClinVar aggregate classification (germline): Uncertain significance (1 of 4 stars; one submission).

Conditions:
Autosomal recessive limb-girdle muscular dystrophy type 2L (LGMDR12). Also called: MUSCULAR DYSTROPHY, LIMB-GIRDLE, AUTOSOMAL RECESSIVE 12; Limb-Girdle Muscular Dystrophy R12 Anoctamin-5-Related (LGMD-R12); Limb-girdle muscular dystrophy, type 2L. Identifiers: Orphanet 206549, MedGen C1969785, MONDO:0012652, OMIM 611307.
Gnathodiaphyseal dysplasia (GDD). Also called: GNATHODIAPHYSEAL SCLEROSIS; OSTEOGENESIS IMPERFECTA WITH UNUSUAL SKELETAL LESIONS. Identifiers: Orphanet 53697, MedGen C1833736, MONDO:0008151, OMIM 166260.

Submission:

Labcorp Genetics (formerly Invitae), Labcorp
Classification: Uncertain significance for Autosomal recessive limb-girdle muscular dystrophy type 2L; Gnathodiaphyseal dysplasia. Last evaluated: 2024-05-13. Review status: criteria provided, single submitter. Criteria: Invitae Variant Classification Sherloc (09022015). Collection method: clinical testing. Allele origin: germline.
Comment: This sequence change replaces valine, which is neutral and non-polar, with isoleucine, which is neutral and non-polar, at codon 90 of the ANO5 protein (p.Val90Ile). Information on the frequency of this variant in the gnomAD database is not available, as this variant may be reported differently in the database. This variant has not been reported in the literature in individuals affected with ANO5-related conditions. ClinVar contains an entry for this variant (Variation ID: 1922597). Experimental studies and prediction algorithms are not available or were not evaluated, and the functional significance of this variant is currently unknown. In summary, the available evidence is currently insufficient to determine the role of this variant in disease. Therefore, it has been classified as a Variant of Uncertain Significance.